The following is an entry in ClinVar:

ClinVar aggregate classification (germline): Uncertain significance (1 of 4 stars; one submission).

Conditions:
Long QT syndrome (LQTS). Identifiers: MedGen C0023976, MeSH D008133, MONDO:0002442. Disease mechanism: loss of function. Inheritance: Various modes of inheritance.

Allele frequency attached by ClinVar (database versions not stated): TOPMed below 0.00001.

Submission:

Labcorp Genetics (formerly Invitae), Labcorp
Classification: Uncertain significance for Long QT syndrome. Last evaluated: 2022-09-12. Review status: criteria provided, single submitter. Criteria: Invitae Variant Classification Sherloc (09022015). Collection method: clinical testing. Allele origin: germline.
Comment: This sequence change replaces glutamic acid, which is acidic and polar, with glutamine, which is neutral and polar, at codon 951 of the AKAP9 protein (p.Glu951Gln). This variant is not present in population databases (gnomAD no frequency). In summary, the available evidence is currently insufficient to determine the role of this variant in disease. Therefore, it has been classified as a Variant of Uncertain Significance. Algorithms developed to predict the effect of missense changes on protein structure and function are either unavailable or do not agree on the potential impact of this missense change (SIFT: "Deleterious"; PolyPhen-2: "Probably Damaging"; Align-GVGD: "Class C0"). ClinVar contains an entry for this variant (Variation ID: 1438392). This variant has not been reported in the literature in individuals affected with AKAP9-related conditions.

NM_005751.5(AKAP9):c.2851G>C (p.Glu951Gln)

Gene: AKAP9 (A-kinase anchoring protein 9; plus strand). Cytogenetic location: 7q21.2.
Variant type: single nucleotide variant.
Coding change: c.2851G>C on transcript NM_005751.5 (MANE Select); coding-DNA position 2851, G replaced by C.
Protein change: p.Glu951Gln; replaces glutamic acid 951 with glutamine.
Molecular consequence: missense variant.
Genome position (GRCh38, 1-based): chr7:92,002,768, G>C. VCF-style: chr7-92002768-G-C. GRCh37 (hg19) VCF-style: chr7-91632082-G-C.
Other names: c.2851G>C, p.Glu951Gln (NM_147185.3); short protein forms E951Q.
Identifiers: ClinVar variation 1438392 (VCV001438392.8), dbSNP rs1799328599, ClinGen allele CA368125069.
Genomic context (GRCh38, chr7:92,002,768, plus strand): 5'-GGTGAGGTTGTTGAAAAGGATACAACAGAACTCATGGAAAAACTTGAGGTAACCAAGCGA[G>C]AGAAATTAGAGCTGTCACAGAGACTGTCTGATCTTTCTGAACAATTGAAACAGAAACATG-3'
Protein context (NP_005742.4, residues 941-961): LMEKLEVTKR[Glu951Gln]KLELSQRLSD